The following is an entry in ClinVar:

NM_152703.5(SAMD9L):c.2540A>T (p.Glu847Val)

Gene: SAMD9L (sterile alpha motif domain containing 9 like; minus strand). Cytogenetic location: 7q21.2.
Variant type: single nucleotide variant.
Coding change: c.2540A>T on transcript NM_152703.5 (MANE Select); coding-DNA position 2540, A replaced by T.
Protein change: p.Glu847Val; replaces glutamic acid 847 with valine.
Molecular consequence: missense variant.
Genome position (GRCh38, 1-based): chr7:93,133,432, T>A on the plus strand (A>T on the coding strand, the complement: SAMD9L is on the minus strand). VCF-style: chr7-93133432-T-A. GRCh37 (hg19) VCF-style: chr7-92762745-T-A.
Other names: c.2540A>T, p.Glu847Val (NM_001303496.3, NM_001303497.3, NM_001303498.3 and 5 more transcripts); short protein forms E847V.
Identifiers: ClinVar variation 5028887 (VCV005028887.1).

ClinVar aggregate classification (germline): Uncertain significance (1 of 4 stars; one submission).

Conditions:
Inborn genetic diseases. Identifiers: MedGen C0950123, MeSH D030342.

Submission:

Ambry Genetics
Classification: Uncertain significance for Inborn genetic diseases. Last evaluated: 2026-07-13. Review status: criteria provided, single submitter. Criteria: Ambry Variant Classification Scheme 2023. Collection method: clinical testing. Allele origin: germline.
Comment: The p.E847V variant (also known as c.2540A>T), located in coding exon 1 of the SAMD9L gene, results from an A to T substitution at nucleotide position 2540. The glutamic acid at codon 847 is replaced by valine, an amino acid with dissimilar properties. This amino acid position is conserved. In addition, this alteration is predicted to be tolerated by in silico analysis. Based on the available evidence, the clinical significance of this variant remains unclear.